The following is an entry in ClinVar:

ClinVar aggregate classification (germline): Uncertain significance (1 of 4 stars; one submission).

gnomAD v4.1: 1 of 1,613,766 alleles (0.000062%); highest among the groups gnomAD compares: Admixed American, 0.0017%; no homozygotes.

Submission:

Labcorp Genetics (formerly Invitae), Labcorp
Classification: Uncertain significance. Last evaluated: 2024-06-20. Review status: criteria provided, single submitter. Criteria: Invitae Variant Classification Sherloc (09022015). Collection method: clinical testing. Allele origin: germline.
Comment: This sequence change replaces serine, which is neutral and polar, with leucine, which is neutral and non-polar, at codon 357 of the FREM1 protein (p.Ser357Leu). This variant is present in population databases (no rsID available, gnomAD 0.003%). This variant has not been reported in the literature in individuals affected with FREM1-related conditions. Advanced modeling of protein sequence and biophysical properties (such as structural, functional, and spatial information, amino acid conservation, physicochemical variation, residue mobility, and thermodynamic stability) performed at Invitae indicates that this missense variant is expected to disrupt FREM1 protein function with a positive predictive value of 80%. In summary, the available evidence is currently insufficient to determine the role of this variant in disease. Therefore, it has been classified as a Variant of Uncertain Significance.

NM_001379081.2(FREM1):c.1070C>T (p.Ser357Leu)

Gene: FREM1 (FRAS1 related extracellular matrix 1; minus strand). Cytogenetic location: 9p22.3.
Variant type: single nucleotide variant.
Coding change: c.1070C>T on transcript NM_001379081.2 (MANE Select); coding-DNA position 1070, C replaced by T.
Protein change: p.Ser357Leu; replaces serine 357 with leucine.
Molecular consequence: missense variant. On other transcripts: non-coding transcript variant (4).
Genome position (GRCh38, 1-based): chr9:14,851,366, G>A on the plus strand (C>T on the coding strand, the complement: FREM1 is on the minus strand). VCF-style: chr9-14851366-G-A. GRCh37 (hg19) VCF-style: chr9-14851364-G-A.
Other names: c.1097C>T, p.Ser366Leu (NM_001370060.1); c.1070C>T, p.Ser357Leu (NM_001370063.1, NM_001370065.1, NM_144966.7); short protein forms S366L, S357L.
Identifiers: ClinVar variation 3639514 (VCV003639514.2).
Genomic context (GRCh38, chr9:14,851,366, plus strand): 5'-TGGCTGCTGTTTGGTGGCTGATAGGCGATCTGCATGTCACTGAGATCTTTCCAGGTGAAT[G>A]AGGAGATTGGTCTGGTGTGATCCAACAGGTGAGTCACATAGCCCTGGAGCGGGGCTTTAG-3'
Protein context (NP_001366010.1, residues 347-367): HLLDHTRPIS[Ser357Leu]FTWKDLSDMQ